The following is an entry in ClinVar:

ClinVar aggregate classification (germline): Likely benign. Review status: criteria provided, single submitter (1 of 4 stars). 3 submissions from 3 submitters: Likely benign (1). 2 of the submissions do not count toward it. Last evaluated 2023-08-24.

Conditions:
VPS13B-related disorder. Also called: VPS13B-related condition.
Cohen syndrome (COH1). Also called: PEPPER SYNDROME; Cutis verticis gyrata, retinitis pigmentosa, and sensorineural deafness. Identifiers: Orphanet 193, MedGen C0265223, MONDO:0008999, OMIM 216550.

Allele frequency attached by ClinVar (database versions not stated): ExAC 0.00001; gnomAD exomes 0.00001.
gnomAD v4.1: 11 of 1,613,836 alleles (0.00068%); highest among the groups gnomAD compares: South Asian, 0.011%; no homozygotes.

Submissions (3):

Labcorp Genetics (formerly Invitae), Labcorp
Classification: Likely benign for Cohen syndrome. Last evaluated: 2023-08-24. Review status: criteria provided, single submitter. Criteria: Invitae Variant Classification Sherloc (09022015). Collection method: clinical testing. Allele origin: germline.

Natera, Inc.
Classification: Uncertain significance for Cohen syndrome. Last evaluated: 2025-04-13. Review status: no assertion criteria provided. Collection method: clinical testing. Allele origin: germline. Not counted in ClinVar's aggregate classification.

PreventionGenetics, part of Exact Sciences
Classification: Likely benign for VPS13B-related condition. Last evaluated: 2023-09-14. Review status: no assertion criteria provided. Collection method: clinical testing. Allele origin: germline. Not counted in ClinVar's aggregate classification.
Comment: This variant is classified as likely benign based on ACMG/AMP sequence variant interpretation guidelines (Richards et al. 2015 PMID: 25741868, with internal and published modifications).

NM_152564.5(VPS13B):c.5124C>T (p.Asn1708=)

Gene: VPS13B (vacuolar protein sorting 13 homolog B; plus strand). Cytogenetic location: 8q22.2.
Variant type: single nucleotide variant.
Coding change: c.5124C>T on transcript NM_152564.5 (MANE Select); coding-DNA position 5124, C replaced by T.
Protein change: p.Asn1708=; no amino-acid change (asparagine 1708 retained).
Molecular consequence: synonymous variant.
Genome position (GRCh38, 1-based): chr8:99,577,537, C>T. VCF-style: chr8-99577537-C-T. GRCh37 (hg19) VCF-style: chr8-100589765-C-T.
Other names: c.5199C>T, p.Asn1733= (NM_017890.5).
Identifiers: ClinVar variation 2137555 (VCV002137555.7), dbSNP rs746586467, ClinGen allele CA4823755.